The following is an entry in ClinVar:

ClinVar aggregate classification (germline): Uncertain significance. Review status: criteria provided, multiple submitters, no conflicts (2 of 4 stars). 2 submissions from 2 submitters: Uncertain significance (2). Last evaluated 2022-05-27.

Conditions:
Inborn genetic diseases. Identifiers: MedGen C0950123, MeSH D030342.

Allele frequency attached by ClinVar (database versions not stated): gnomAD exomes below 0.00001.
gnomAD v4.1: 2 of 1,614,004 alleles (0.00012%); highest among the groups gnomAD compares: Non-Finnish European, 0.00017%; no homozygotes.

Submissions (2):

Ambry Genetics
Classification: Uncertain significance for Inborn genetic diseases. Last evaluated: 2022-05-27. Review status: criteria provided, single submitter. Criteria: Ambry Variant Classification Scheme 2023. Collection method: clinical testing. Allele origin: germline.

Labcorp Genetics (formerly Invitae), Labcorp
Classification: Uncertain significance. Last evaluated: 2022-05-25. Review status: criteria provided, single submitter. Criteria: Invitae Variant Classification Sherloc (09022015). Collection method: clinical testing. Allele origin: germline.
Comment: This variant has not been reported in the literature in individuals affected with LAMC3-related conditions. In summary, the available evidence is currently insufficient to determine the role of this variant in disease. Therefore, it has been classified as a Variant of Uncertain Significance. Algorithms developed to predict the effect of missense changes on protein structure and function are either unavailable or do not agree on the potential impact of this missense change (SIFT: "Deleterious"; PolyPhen-2: "Probably Damaging"; Align-GVGD: "Class C0"). This variant is not present in population databases (gnomAD no frequency). This sequence change replaces phenylalanine, which is neutral and non-polar, with serine, which is neutral and polar, at codon 794 of the LAMC3 protein (p.Phe794Ser).

NM_006059.4(LAMC3):c.2381T>C (p.Phe794Ser)

Gene: LAMC3 (laminin subunit gamma 3; plus strand). Cytogenetic location: 9q34.12.
Variant type: single nucleotide variant.
Coding change: c.2381T>C on transcript NM_006059.4 (MANE Select); coding-DNA position 2381, T replaced by C.
Protein change: p.Phe794Ser; replaces phenylalanine 794 with serine.
Molecular consequence: missense variant.
Genome position (GRCh38, 1-based): chr9:131,066,993, T>C. VCF-style: chr9-131066993-T-C. GRCh37 (hg19) VCF-style: chr9-133942380-T-C.
Other names: c.2381T>C (NM_006059.3); short protein forms F794S.
Identifiers: ClinVar variation 2292379 (VCV002292379.8), dbSNP rs2538299728, ClinGen allele CA375253043.